The following is an entry in ClinVar:

ClinVar aggregate classification (germline): Conflicting classifications of pathogenicity. Review status: criteria provided, conflicting classifications (1 of 4 stars). 3 submissions from 3 submitters: Likely pathogenic (1); Uncertain significance (1). 1 of the submissions does not count toward it. Last evaluated 2024-08-20.

Conditions:
Mitochondrial myopathy-cerebellar ataxia-pigmentary retinopathy syndrome. Also called: MYOPATHY, MITOCHONDRIAL, AND ATAXIA. Identifiers: Orphanet 502423, MedGen C4540096, MONDO:0044714, OMIM 617675.

Submissions (3):

GeneDx
Classification: Likely pathogenic. Last evaluated: 2024-08-20. Review status: criteria provided, single submitter. Criteria: GeneDx Variant Classification Process June 2021. Collection method: clinical testing. Allele origin: germline. Affected: yes.
Comment: Intronic variant directly or indirectly altering the +5 splice site in a gene for which loss of function is a known mechanism of disease, and splice predictors support a deleterious effect; Not observed at significant frequency in large population cohorts (gnomAD); This variant is associated with the following publications: (PMID: 37431816)

Revvity Omics, Revvity
Classification: Uncertain significance for Mitochondrial myopathy-cerebellar ataxia-pigmentary retinopathy syndrome. Last evaluated: 2023-05-31. Review status: criteria provided, single submitter. Criteria: ACMG Guidelines, 2015. Collection method: clinical testing. Allele origin: germline.

Laboratory of Genetics in Ophthalmology, Institut Imagine
Classification: Pathogenic. Last evaluated: 2022-06-17. Review status: no assertion criteria provided. Collection method: research. Allele origin: inherited. Inheritance: Autosomal recessive inheritance. Affected: yes. Observed: 3 variant alleles, 3 compound heterozygotes. Clinical features observed: Optic neuropathy (HP:0001138), Myopathy (HP:0003198), Cerebellar atrophy (HP:0001272), Upper motor neuron dysfunction (HP:0002493). Not counted in ClinVar's aggregate classification.
Comment: The c.220+5 variant in MSTO1 has been identified in compound heterozygosity with a likely pathogenic missense change (c.65A>G, p.Ala22Glu) in three siblings affected with typical MSTO1-assciated myoptahy, cerbellar atrophy and corticospinal track involvement and previously unreported bilateral optic neuropathy responsible for profound central visual loss. Biallelism has been demonstrated experimentaly. The change is known as rs1187504822 and is extremely rare with a minor allele frequency of 0.003%. The variant is predicted to abolish the donor splice-site of intron 2, induce exon skipping and introduce a premature termination codon in the mRNA. The mRNA encoded by the allele carrying the c.200+5G>C variant is undetectable in cells from affected individuals, suggesting nonsense-mediated mRNA decay. In summary, the c.220+5G>C variant meets our criteria to be classified as pathogenic based upon phenotype, family history, segregation studies, rarity in large population studies, computational evidence supporting deleterious effect and mRNA analysis.

NM_018116.4(MSTO1):c.220+5G>C

Gene: MSTO1 (misato mitochondrial distribution and morphology regulator 1; plus strand). Cytogenetic location: 1q22.
Variant type: single nucleotide variant.
Coding change: c.220+5G>C on transcript NM_018116.4 (MANE Select); 5 bases into the intron after coding-DNA position 220, G replaced by C.
Molecular consequence: intron variant. On other transcripts: 5 prime UTR variant (2).
Genome position (GRCh38, 1-based): chr1:155,610,565, G>C. VCF-style: chr1-155610565-G-C. GRCh37 (hg19) VCF-style: chr1-155580356-G-C.
Other names: c.-849G>C (NM_001350781.1); c.-846G>C (NM_001350785.1); c.-337+5G>C (NM_001350779.1, NM_001350777.1); c.-386+5G>C (NM_001350784.1, NM_001350787.1); c.-401+5G>C (NM_001350778.1); c.-450+5G>C (NM_001350789.1); c.-379+5G>C (NM_001350786.1, NM_001350788.1, NM_001350782.1 and 1 more transcripts); c.-453+5G>C (NM_001350780.1); and 2 more.
Identifiers: ClinVar variation 1693164 (VCV001693164.7), dbSNP rs1187504822, ClinGen allele CA526669690.